The following is an entry in ClinVar:

ClinVar aggregate classification (germline): Uncertain significance (1 of 4 stars; one submission).

Conditions:
Dilated cardiomyopathy 1JJ (CMD1JJ). Identifiers: Orphanet 154, MedGen C3808935, MONDO:0014095, OMIM 615235.

Submission:

Labcorp Genetics (formerly Invitae), Labcorp
Classification: Uncertain significance for Dilated cardiomyopathy 1JJ. Last evaluated: 2021-09-15. Review status: criteria provided, single submitter. Criteria: Invitae Variant Classification Sherloc (09022015). Collection method: clinical testing. Allele origin: germline.
Comment: This sequence change replaces glutamic acid with glycine at codon 621 of the LAMA4 protein (p.Glu621Gly). The glutamic acid residue is highly conserved and there is a moderate physicochemical difference between glutamic acid and glycine. This variant is not present in population databases (ExAC no frequency). This variant has not been reported in the literature in individuals affected with LAMA4-related conditions. Algorithms developed to predict the effect of missense changes on protein structure and function are either unavailable or do not agree on the potential impact of this missense change (SIFT: "Deleterious"; PolyPhen-2: "Possibly Damaging"; Align-GVGD: "Class C15"). In summary, the available evidence is currently insufficient to determine the role of this variant in disease. Therefore, it has been classified as a Variant of Uncertain Significance.

NM_001105206.3(LAMA4):c.1883A>G (p.Glu628Gly)

Gene: LAMA4 (laminin subunit alpha 4; minus strand). Cytogenetic location: 6q21.
Variant type: single nucleotide variant.
Coding change: c.1883A>G on transcript NM_001105206.3 (MANE Select); coding-DNA position 1883, A replaced by G.
Protein change: p.Glu628Gly; replaces glutamic acid 628 with glycine.
Molecular consequence: missense variant.
Genome position (GRCh38, 1-based): chr6:112,155,641, T>C on the plus strand (A>G on the coding strand, the complement: LAMA4 is on the minus strand). VCF-style: chr6-112155641-T-C. GRCh37 (hg19) VCF-style: chr6-112476843-T-C.
Other names: c.1862A>G, p.Glu621Gly (NM_001105207.3, NM_002290.5); short protein forms E621G, E628G.
Identifiers: ClinVar variation 1490064 (VCV001490064.6), dbSNP rs2114780867, ClinGen allele CA365364470.